The following is an entry in ClinVar:

ClinVar aggregate classification (germline): Pathogenic/Likely pathogenic. Review status: criteria provided, multiple submitters, no conflicts (2 of 4 stars). 5 submissions from 5 submitters: Pathogenic (2); Likely pathogenic (3). Last evaluated 2026-02-17.

Conditions:
GM1 gangliosidosis. Identifiers: Orphanet 354, MedGen C0085131, MONDO:0018149.
Mucopolysaccharidosis, MPS-IV-B (MPS4B). Also called: Mucopolysaccharidosis type IV B; Mucopolysaccharidosis Type IVB (Morquio B Disease); MORQUIO SYNDROME B; Mucopolysaccharidosis type 4B; Mucopolysaccharidosis Type IVB; Mucopolysaccharidosis type IVB (Morquio). Identifiers: Orphanet 309310, Orphanet 582, MedGen C0086652, MONDO:0009660, OMIM 253010.
Infantile GM1 gangliosidosis. Also called: Gangliosidosis, Generalized GM1, Type 1; GM1 gangliosidosis type 1; GM1-gangliosidosis, type I; Gangliosidosis, generalized GM1, infantile form; GLB1 deficiency. Identifiers: Orphanet 354, Orphanet 79255, MedGen C0268271, MONDO:0009260, OMIM 230500.

Allele frequency attached by ClinVar (database versions not stated): TOPMed below 0.00001; gnomAD 0.00001; gnomAD exomes 0.00001 and 0.00003; ExAC 0.00002.

Submissions (5):

Women's Health and Genetics/Laboratory Corporation of America, LabCorp
Classification: Likely pathogenic for Infantile GM1 gangliosidosis. Last evaluated: 2026-02-17. Review status: criteria provided, single submitter. Criteria: LabCorp Variant Classification Summary - May 2015. Collection method: clinical testing. Allele origin: germline.
Comment: Variant summary: GLB1 c.1255C>T (p.Arg419Trp) results in a non-conservative amino acid change in the encoded protein sequence. Algorithms developed to predict the effect of missense changes on protein structure and function all suggest that this variant is likely to be disruptive. The variant allele was found at a frequency of 2.8e-05 in 249582 control chromosomes (gnomAD). c.1255C>T has been observed in individuals affected with clinical features of GM1 gangliosidosis (Arash-Kaps_2019, Cheema_2020). These data indicate that the variant may be associated with disease. To our knowledge, no experimental evidence demonstrating an impact on protein function has been reported. The following publications have been ascertained in the context of this evaluation (PMID: 31761138, 33083013). ClinVar contains an entry for this variant (Variation ID: 973576). Based on the evidence outlined above, the variant was classified as likely pathogenic.

Labcorp Genetics (formerly Invitae), Labcorp
Classification: Pathogenic for Mucopolysaccharidosis, MPS-IV-B; GM1 gangliosidosis. Last evaluated: 2025-01-06. Review status: criteria provided, single submitter. Criteria: Invitae Variant Classification Sherloc (09022015). Collection method: clinical testing. Allele origin: germline.
Comment: This sequence change replaces arginine, which is basic and polar, with tryptophan, which is neutral and slightly polar, at codon 419 of the GLB1 protein (p.Arg419Trp). This variant is present in population databases (rs747709527, gnomAD 0.01%). This missense change has been observed in individual(s) with clinical features of GM1 gangliosidosis and/or GLB1-related conditions (PMID: 31761138, 33083013). In at least one individual the data is consistent with being in trans (on the opposite chromosome) from a pathogenic variant. This variant is also known as c.1399C>T p.(Arg467Trp). ClinVar contains an entry for this variant (Variation ID: 973576). Invitae Evidence Modeling of protein sequence and biophysical properties (such as structural, functional, and spatial information, amino acid conservation, physicochemical variation, residue mobility, and thermodynamic stability) indicates that this missense variant is expected to disrupt GLB1 protein function with a positive predictive value of 95%. For these reasons, this variant has been classified as Pathogenic.

Natera, Inc.
Classification: Likely pathogenic for Mucopolysaccharidosis, MPS-IV-B. Last evaluated: 2024-11-01. Review status: criteria provided, single submitter. Criteria: Natera Variant Classification Schema (03/2026). Collection method: clinical testing. Allele origin: germline.
Comment: The c.1255C>T variant in GLB1 is a missense variant predicted to cause substitution of arginine to tryptophan at amino acid 419. This variant is rare in the general population with a frequency below the threshold expected for the associated phenotype(s). This variant has been observed in one or more individuals affected with the associated recessive disease, as either homozygous or compound heterozygous with a second variant (PMID: 33083013, 31761138). This variant has been identified in one or more affected individuals with a phenotype highly consistent with the associated gene (PMID: 31761138, 33083013). Computational prediction algorithms indicate this variant is likely to affect gene or protein function. Given the available evidence, this variant is classified as Likely Pathogenic.

GeneDx
Classification: Likely pathogenic. Last evaluated: 2022-12-29. Review status: criteria provided, single submitter. Criteria: GeneDx Variant Classification Process June 2021. Collection method: clinical testing. Allele origin: germline. Affected: yes.
Comment: Not observed at significant frequency in large population cohorts (gnomAD); In silico analysis supports that this missense variant has a deleterious effect on protein structure/function; This variant is associated with the following publications: (PMID: 31761138, 33083013)

CENTOGENE GmbH and LLC - Guiding Precision Medicine
Classification: Pathogenic for GM1-gangliosidosis. Review status: criteria provided, single submitter. Criteria: ACMG Guidelines, 2015. Collection method: clinical testing. Allele origin: germline. Affected: yes.

Literature cited by the submitters: PubMed 31761138 (cited by 3 submitters); PubMed 33083013 (cited by 3 submitters).

NM_000404.4(GLB1):c.1255C>T (p.Arg419Trp)

Gene: GLB1 (galactosidase beta 1; minus strand). Cytogenetic location: 3p22.3.
Variant type: single nucleotide variant.
Coding change: c.1255C>T on transcript NM_000404.4 (MANE Select); coding-DNA position 1255, C replaced by T.
Protein change: p.Arg419Trp; replaces arginine 419 with tryptophan.
Molecular consequence: missense variant.
Genome position (GRCh38, 1-based): chr3:33,018,540, G>A on the plus strand (C>T on the coding strand, the complement: GLB1 is on the minus strand). VCF-style: chr3-33018540-G-A. GRCh37 (hg19) VCF-style: chr3-33060032-G-A.
Other names: c.1255C>T (NM_000404.2, NM_000404.3); c.1165C>T, p.Arg389Trp (NM_001079811.3); c.862C>T, p.Arg288Trp (NM_001135602.3); c.1399C>T, p.Arg467Trp (NM_001317040.2); c.1255C>T, p.Arg419Trp (NM_001393580.1); short protein forms R389W, R467W, R288W, R419W.
Identifiers: ClinVar variation 973576 (VCV000973576.9), dbSNP rs747709527, ClinGen allele CA2299444.